The following is an entry in ClinVar:

ClinVar aggregate classification (germline): Benign/Likely benign. Review status: criteria provided, multiple submitters, no conflicts (2 of 4 stars). 3 submissions from 3 submitters: Benign (1); Likely benign (1). 1 of the submissions does not count toward it. Last evaluated 2018-09-11.

Conditions:
KRT4-related disorder. Also called: KRT4-related condition.
White sponge nevus 1. Also called: LEUKOKERATOSIS, HEREDITARY MUCOSAL. Identifiers: MedGen C4011926, MONDO:0008676, OMIM 193900.

Allele frequency attached by ClinVar (database versions not stated): ExAC 0.00025; gnomAD exomes 0.00025; gnomAD 0.00076 and 0.00081; TOPMed 0.00082; ESP Exome Variant Server 0.00085; 1000 Genomes Project 30x 0.00109; 1000 Genomes Project 0.00140.
gnomAD v4.1: 396 of 1,614,042 alleles (0.025%); highest among the groups gnomAD compares: African/African-American, 0.2%; no homozygotes.

Submissions (3):

Labcorp Genetics (formerly Invitae), Labcorp
Classification: Likely benign. Last evaluated: 2018-09-11. Review status: criteria provided, single submitter. Criteria: Invitae Variant Classification Sherloc (09022015). Collection method: clinical testing. Allele origin: germline.

Illumina Laboratory Services, Illumina
Classification: Benign for White sponge nevus 1. Last evaluated: 2018-01-13. Review status: criteria provided, single submitter. Criteria: ICSL Variant Classification Criteria 13 December 2019. Collection method: clinical testing. Allele origin: germline.
Comment: This variant was observed in the ICSL laboratory as part of a predisposition screen in an ostensibly healthy population. It had not been previously curated by ICSL or reported in the Human Gene Mutation Database (HGMD: prior to June 1st, 2018), and was therefore a candidate for classification through an automated scoring system. Utilizing variant allele frequency, disease prevalence and penetrance estimates, and inheritance mode, an automated score was calculated to assess if this variant is too frequent to cause the disease. Based on the score and internal cut-off values, a variant classified as benign is not then subjected to further curation. The score for this variant resulted in a classification of benign for this disease.

PreventionGenetics, part of Exact Sciences
Classification: Likely benign for KRT4-related condition. Last evaluated: 2020-07-01. Review status: no assertion criteria provided. Collection method: clinical testing. Allele origin: germline. Not counted in ClinVar's aggregate classification.
Comment: This variant is classified as likely benign based on ACMG/AMP sequence variant interpretation guidelines (Richards et al. 2015 PMID: 25741868, with internal and published modifications).

NM_002272.4(KRT4):c.1318C>T (p.Arg440Cys)

Gene: KRT4 (keratin 4; minus strand). Cytogenetic location: 12q13.13.
Variant type: single nucleotide variant.
Coding change: c.1318C>T on transcript NM_002272.4 (MANE Select); coding-DNA position 1318, C replaced by T.
Protein change: p.Arg440Cys; replaces arginine 440 with cysteine.
Molecular consequence: missense variant.
Genome position (GRCh38, 1-based): chr12:52,807,672, G>A on the plus strand (C>T on the coding strand, the complement: KRT4 is on the minus strand). VCF-style: chr12-52807672-G-A. GRCh37 (hg19) VCF-style: chr12-53201456-G-A.
Other names: short protein forms R440C.
Identifiers: ClinVar variation 778637 (VCV000778637.9), dbSNP rs200484321, ClinGen allele CA6588441.